The following continues an entry in ClinVar:

NM_000284.4(PDHA1):c.*1682T>C

ClinVar aggregate classification (germline): Benign. Benign (2).

Submissions 30 to 65 of 84:

Dr. Peter K. Rogan Lab, Western University
No classification provided (evidence only). Condition: Familial cancer of breast. Review status: no classification provided. Collection method: in vitro. Allele origin: not applicable. Functional consequence: retained intron. Not counted in ClinVar's aggregate classification.

Dr. Peter K. Rogan Lab, Western University
No classification provided (evidence only). Condition: Familial cancer of breast. Review status: no classification provided. Collection method: in vitro. Allele origin: not applicable. Functional consequence: retained intron. Not counted in ClinVar's aggregate classification.

Dr. Peter K. Rogan Lab, Western University
No classification provided (evidence only). Condition: Familial cancer of breast. Review status: no classification provided. Collection method: in vitro. Allele origin: not applicable. Functional consequence: retained intron. Not counted in ClinVar's aggregate classification.

Dr. Peter K. Rogan Lab, Western University
No classification provided (evidence only). Condition: Familial cancer of breast. Review status: no classification provided. Collection method: in vitro. Allele origin: not applicable. Functional consequence: retained intron. Not counted in ClinVar's aggregate classification.

Dr. Peter K. Rogan Lab, Western University
No classification provided (evidence only). Condition: Familial cancer of breast. Review status: no classification provided. Collection method: in vitro. Allele origin: not applicable. Functional consequence: retained intron. Not counted in ClinVar's aggregate classification.

Dr. Peter K. Rogan Lab, Western University
No classification provided (evidence only). Condition: Familial cancer of breast. Review status: no classification provided. Collection method: in vitro. Allele origin: not applicable. Functional consequence: retained intron. Not counted in ClinVar's aggregate classification.

Dr. Peter K. Rogan Lab, Western University
No classification provided (evidence only). Condition: Familial cancer of breast. Review status: no classification provided. Collection method: in vitro. Allele origin: not applicable. Functional consequence: retained intron. Not counted in ClinVar's aggregate classification.

Dr. Peter K. Rogan Lab, Western University
No classification provided (evidence only). Condition: Familial cancer of breast. Review status: no classification provided. Collection method: in vitro. Allele origin: not applicable. Functional consequence: retained intron. Not counted in ClinVar's aggregate classification.

Dr. Peter K. Rogan Lab, Western University
No classification provided (evidence only). Condition: Colon adenocarcinoma. Review status: no classification provided. Collection method: in vitro. Allele origin: not applicable. Functional consequence: retained intron. Not counted in ClinVar's aggregate classification.

Dr. Peter K. Rogan Lab, Western University
No classification provided (evidence only). Condition: Colon adenocarcinoma. Review status: no classification provided. Collection method: in vitro. Allele origin: not applicable. Functional consequence: retained intron. Not counted in ClinVar's aggregate classification.

Dr. Peter K. Rogan Lab, Western University
No classification provided (evidence only). Condition: Colorectal cancer. Review status: no classification provided. Collection method: in vitro. Allele origin: not applicable. Functional consequence: retained intron. Not counted in ClinVar's aggregate classification.

Dr. Peter K. Rogan Lab, Western University
No classification provided (evidence only). Condition: Colorectal cancer. Review status: no classification provided. Collection method: in vitro. Allele origin: not applicable. Functional consequence: retained intron. Not counted in ClinVar's aggregate classification.

Dr. Peter K. Rogan Lab, Western University
No classification provided (evidence only). Condition: Colorectal cancer. Review status: no classification provided. Collection method: in vitro. Allele origin: not applicable. Functional consequence: retained intron. Not counted in ClinVar's aggregate classification.

Dr. Peter K. Rogan Lab, Western University
No classification provided (evidence only). Condition: Thyroid cancer, nonmedullary, 1. Review status: no classification provided. Collection method: in vitro. Allele origin: not applicable. Functional consequence: retained intron. Not counted in ClinVar's aggregate classification.

Dr. Peter K. Rogan Lab, Western University
No classification provided (evidence only). Condition: Thyroid cancer, nonmedullary, 1. Review status: no classification provided. Collection method: in vitro. Allele origin: not applicable. Functional consequence: retained intron. Not counted in ClinVar's aggregate classification.

Dr. Peter K. Rogan Lab, Western University
No classification provided (evidence only). Condition: Thyroid cancer, nonmedullary, 1. Review status: no classification provided. Collection method: in vitro. Allele origin: not applicable. Functional consequence: retained intron. Not counted in ClinVar's aggregate classification.

Dr. Peter K. Rogan Lab, Western University
No classification provided (evidence only). Condition: Thyroid cancer, nonmedullary, 1. Review status: no classification provided. Collection method: in vitro. Allele origin: not applicable. Functional consequence: retained intron. Not counted in ClinVar's aggregate classification.

Dr. Peter K. Rogan Lab, Western University
No classification provided (evidence only). Condition: Thyroid cancer, nonmedullary, 1. Review status: no classification provided. Collection method: in vitro. Allele origin: not applicable. Functional consequence: retained intron. Not counted in ClinVar's aggregate classification.

Dr. Peter K. Rogan Lab, Western University
No classification provided (evidence only). Condition: Thyroid cancer, nonmedullary, 1. Review status: no classification provided. Collection method: in vitro. Allele origin: not applicable. Functional consequence: retained intron. Not counted in ClinVar's aggregate classification.

Dr. Peter K. Rogan Lab, Western University
No classification provided (evidence only). Condition: Uterine corpus endometrial carcinoma. Review status: no classification provided. Collection method: in vitro. Allele origin: not applicable. Functional consequence: retained intron. Not counted in ClinVar's aggregate classification.

Dr. Peter K. Rogan Lab, Western University
No classification provided (evidence only). Condition: Uterine corpus endometrial carcinoma. Review status: no classification provided. Collection method: in vitro. Allele origin: not applicable. Functional consequence: retained intron. Not counted in ClinVar's aggregate classification.

Dr. Peter K. Rogan Lab, Western University
No classification provided (evidence only). Condition: Cervical cancer. Review status: no classification provided. Collection method: in vitro. Allele origin: not applicable. Functional consequence: retained intron. Not counted in ClinVar's aggregate classification.

Dr. Peter K. Rogan Lab, Western University
No classification provided (evidence only). Condition: Cervical cancer. Review status: no classification provided. Collection method: in vitro. Allele origin: not applicable. Functional consequence: retained intron. Not counted in ClinVar's aggregate classification.

Dr. Peter K. Rogan Lab, Western University
No classification provided (evidence only). Condition: Cervical cancer. Review status: no classification provided. Collection method: in vitro. Allele origin: not applicable. Functional consequence: retained intron. Not counted in ClinVar's aggregate classification.

Dr. Peter K. Rogan Lab, Western University
No classification provided (evidence only). Condition: Cervical cancer. Review status: no classification provided. Collection method: in vitro. Allele origin: not applicable. Functional consequence: retained intron. Not counted in ClinVar's aggregate classification.

Dr. Peter K. Rogan Lab, Western University
No classification provided (evidence only). Condition: Cervical cancer. Review status: no classification provided. Collection method: in vitro. Allele origin: not applicable. Functional consequence: retained intron. Not counted in ClinVar's aggregate classification.

Dr. Peter K. Rogan Lab, Western University
No classification provided (evidence only). Condition: Cervical cancer. Review status: no classification provided. Collection method: in vitro. Allele origin: not applicable. Functional consequence: retained intron. Not counted in ClinVar's aggregate classification.

Dr. Peter K. Rogan Lab, Western University
No classification provided (evidence only). Condition: Cervical cancer. Review status: no classification provided. Collection method: in vitro. Allele origin: not applicable. Functional consequence: retained intron. Not counted in ClinVar's aggregate classification.

Dr. Peter K. Rogan Lab, Western University
No classification provided (evidence only). Condition: Sarcoma. Review status: no classification provided. Collection method: in vitro. Allele origin: not applicable. Functional consequence: retained intron. Not counted in ClinVar's aggregate classification.

Dr. Peter K. Rogan Lab, Western University
No classification provided (evidence only). Condition: Nonpapillary renal cell carcinoma. Review status: no classification provided. Collection method: in vitro. Allele origin: not applicable. Functional consequence: retained intron. Not counted in ClinVar's aggregate classification.

Dr. Peter K. Rogan Lab, Western University
No classification provided (evidence only). Condition: Nonpapillary renal cell carcinoma. Review status: no classification provided. Collection method: in vitro. Allele origin: not applicable. Functional consequence: retained intron. Not counted in ClinVar's aggregate classification.

Dr. Peter K. Rogan Lab, Western University
No classification provided (evidence only). Condition: Nonpapillary renal cell carcinoma. Review status: no classification provided. Collection method: in vitro. Allele origin: not applicable. Functional consequence: retained intron. Not counted in ClinVar's aggregate classification.

Dr. Peter K. Rogan Lab, Western University
No classification provided (evidence only). Condition: Nonpapillary renal cell carcinoma. Review status: no classification provided. Collection method: in vitro. Allele origin: not applicable. Functional consequence: retained intron. Not counted in ClinVar's aggregate classification.

Dr. Peter K. Rogan Lab, Western University
No classification provided (evidence only). Condition: Thymoma. Review status: no classification provided. Collection method: in vitro. Allele origin: not applicable. Functional consequence: retained intron. Not counted in ClinVar's aggregate classification.

Dr. Peter K. Rogan Lab, Western University
No classification provided (evidence only). Condition: Thymoma. Review status: no classification provided. Collection method: in vitro. Allele origin: not applicable. Functional consequence: retained intron. Not counted in ClinVar's aggregate classification.

Dr. Peter K. Rogan Lab, Western University
No classification provided (evidence only). Condition: Cholangiocarcinoma. Review status: no classification provided. Collection method: in vitro. Allele origin: not applicable. Functional consequence: retained intron. Not counted in ClinVar's aggregate classification.